The following is an entry in ClinVar:

NM_031448.6(C19orf12):c.2T>C (p.Met1Thr)

Gene: C19orf12 (chromosome 19 open reading frame 12; minus strand). Cytogenetic location: 19q12.
Variant type: single nucleotide variant.
Coding change: c.2T>C on transcript NM_031448.6 (MANE Select); coding-DNA position 2, T replaced by C.
Protein change: p.Met1Thr; changes the start codon (methionine 1).
Molecular consequence: missense variant, initiator codon variant. On other transcripts: 5 prime UTR variant (1), intron variant (2).
Genome position (GRCh38, 1-based): chr19:29,708,412, A>G on the plus strand (T>C on the coding strand, the complement: C19orf12 is on the minus strand). VCF-style: chr19-29708412-A-G. GRCh37 (hg19) VCF-style: chr19-30199319-A-G.
Other names: c.2T>C, p.Met1Thr (NM_001031726.4, NM_001256046.3, NM_001256047.2); c.-312T>C (NM_001282931.3); c.-32-5435T>C (NM_001282929.1, NM_001282930.3); short protein forms M1T.
Identifiers: ClinVar variation 1682841 (VCV001682841.6), dbSNP rs764309455, ClinGen allele CA9352003.

ClinVar aggregate classification (germline): Uncertain significance (1 of 4 stars; one submission).

Conditions:
Hereditary spastic paraplegia 43. Also called: Spastic paraplegia 43, autosomal recessive. Identifiers: Orphanet 320370, MedGen C2680446, MONDO:0014024, OMIM 615043.

Allele frequency attached by ClinVar (database versions not stated): gnomAD exomes below 0.00001; ExAC 0.00001; TOPMed 0.00001.

Submission:

Labcorp Genetics (formerly Invitae), Labcorp
Classification: Uncertain significance for Hereditary spastic paraplegia 43. Last evaluated: 2021-11-06. Review status: criteria provided, single submitter. Criteria: Invitae Variant Classification Sherloc (09022015). Collection method: clinical testing. Allele origin: germline.
Comment: In summary, the available evidence is currently insufficient to determine the role of this variant in disease. Therefore, it has been classified as a Variant of Uncertain Significance. Algorithms developed to predict the effect of missense changes on protein structure and function are either unavailable or do not agree on the potential impact of this missense change (SIFT: "Deleterious"; PolyPhen-2: "Benign"; Align-GVGD: "Class C0"). This variant has not been reported in the literature in individuals affected with C19orf12-related conditions. This variant is present in population databases (rs764309455, gnomAD 0.0009%). This sequence change replaces methionine, which is neutral and non-polar, with threonine, which is neutral and polar, at codon 12 of the C19orf12 protein (p.Met12Thr).